The following is an entry in ClinVar:

ClinVar aggregate classification (germline): Likely benign (1 of 4 stars; one submission).

Conditions:
Papillary renal cell carcinoma type 1 (RCCP1). Also called: Renal adenocarcinoma; Renal cell carcinoma 1; Renal cell carcinoma, somatic; RENAL CELL CARCINOMA, PAPILLARY, 1, SOMATIC. Identifiers: Orphanet 47044, MedGen C1336839, OMIM 605074, HP:0011797.

Submission:

Myriad Genetics, Inc.
Classification: Likely benign for Papillary renal cell carcinoma type 1. Last evaluated: 2024-11-13. Review status: criteria provided, single submitter. Criteria: Myriad Autosomal Dominant, Autosomal Recessive and X-Linked Classification Criteria (2023). Collection method: clinical testing. Allele origin: unknown.
Comment: This variant is considered likely benign. This variant is intronic and is not expected to impact mRNA splicing.

NM_000245.4(MET):c.3260-9T>C

Gene: MET (MET proto-oncogene, receptor tyrosine kinase; plus strand). Cytogenetic location: 7q31.2.
Variant type: single nucleotide variant.
Coding change: c.3260-9T>C on transcript NM_000245.4 (MANE Select); 9 bases into the intron before coding-DNA position 3260, T replaced by C.
Molecular consequence: intron variant.
Genome position (GRCh38, 1-based): chr7:116,777,380, T>C. VCF-style: chr7-116777380-T-C. GRCh37 (hg19) VCF-style: chr7-116417434-T-C.
Other names: c.3314-9T>C (NM_001127500.3); c.1970-9T>C (NM_001324402.2).
Identifiers: ClinVar variation 3773119 (VCV003773119.1).